The following is an entry in ClinVar:

NM_000171.4(GLRA1):c.7A>G (p.Ser3Gly)

Gene: GLRA1 (glycine receptor alpha 1; minus strand). Cytogenetic location: 5q33.1.
Variant type: single nucleotide variant.
Coding change: c.7A>G on transcript NM_000171.4 (MANE Select); coding-DNA position 7, A replaced by G.
Protein change: p.Ser3Gly; replaces serine 3 with glycine.
Molecular consequence: missense variant. On other transcripts: 5 prime UTR variant (1).
Genome position (GRCh38, 1-based): chr5:151,924,543, T>C on the plus strand (A>G on the coding strand, the complement: GLRA1 is on the minus strand). VCF-style: chr5-151924543-T-C. GRCh37 (hg19) VCF-style: chr5-151304104-T-C.
Other names: c.7A>G, p.Ser3Gly (NM_001146040.2); c.-115A>G (NM_001292000.2); c.7A>G (NM_000171.3); short protein forms S3G.
Identifiers: ClinVar variation 1484138 (VCV001484138.7), dbSNP rs2113472081, ClinGen allele CA361900034.
Genomic context (GRCh38, chr5:151,924,543, plus strand): 5'-AAATTGCATACCTGAAGAATACAATGGTCTCCCAAAGGTAGAGTCGAAGAGTATTGAAGC[T>C]GTACATTTTTCAGGTCCTTGTGCTTTGTAGTCCACGAGTTATGGGGGCAAAAATGTTTCA-3'
Protein context (NP_000162.2, residues 1-13): MY[Ser3Gly]FNTLRLYLWE

ClinVar aggregate classification (germline): Uncertain significance. Review status: criteria provided, multiple submitters, no conflicts (2 of 4 stars). 2 submissions from 2 submitters: Uncertain significance (2). Last evaluated 2025-10-21.

Conditions:
Hereditary hyperekplexia. Identifiers: Orphanet 3197, MedGen C4084968, MONDO:0021022.

Submissions (2):

Labcorp Genetics (formerly Invitae), Labcorp
Classification: Uncertain significance for Hereditary hyperekplexia. Last evaluated: 2025-10-21. Review status: criteria provided, single submitter. Criteria: Invitae Variant Classification Sherloc (09022015). Collection method: clinical testing. Allele origin: germline.
Comment: This sequence change replaces serine, which is neutral and polar, with glycine, which is neutral and non-polar, at codon 3 of the GLRA1 protein (p.Ser3Gly). This variant is not present in population databases (gnomAD no frequency). This variant has not been reported in the literature in individuals affected with GLRA1-related conditions. ClinVar contains an entry for this variant (Variation ID: 1484138). Invitae Evidence Modeling of protein sequence and biophysical properties (such as structural, functional, and spatial information, amino acid conservation, physicochemical variation, residue mobility, and thermodynamic stability) indicates that this missense variant is not expected to disrupt GLRA1 protein function with a negative predictive value of 95%. In summary, the available evidence is currently insufficient to determine the role of this variant in disease. Therefore, it has been classified as a Variant of Uncertain Significance.

GeneDx
Classification: Uncertain significance. Last evaluated: 2024-07-12. Review status: criteria provided, single submitter. Criteria: GeneDx Variant Classification Process June 2021. Collection method: clinical testing. Allele origin: germline. Affected: yes.
Comment: Not observed at significant frequency in large population cohorts (gnomAD); In silico analysis indicates that this missense variant does not alter protein structure/function; Has not been previously published as pathogenic or benign to our knowledge